The following is an entry in ClinVar:

NM_000051.4(ATM):c.6802A>G (p.Thr2268Ala)

Genes: ATM (ATM serine/threonine kinase; plus strand), C11orf65 (chromosome 11 open reading frame 65; minus strand). Cytogenetic location: 11q22.3.
Variant type: single nucleotide variant.
Coding change: c.6802A>G on transcript NM_000051.4 (MANE Select); coding-DNA position 6802, A replaced by G.
Protein change: p.Thr2268Ala; replaces threonine 2268 with alanine.
Molecular consequence: missense variant. On other transcripts: intron variant (2).
Genome position (GRCh38, 1-based): chr11:108,325,539, A>G. VCF-style: chr11-108325539-A-G. GRCh37 (hg19) VCF-style: chr11-108196266-A-G.
Other names: c.6802A>G, p.Thr2268Ala (NM_001351834.2); c.641-16468T>C (NM_001330368.2); c.*38+9681T>C (NM_001351110.2); short protein forms T2268A.
Identifiers: ClinVar variation 844859 (VCV000844859.24), dbSNP rs1391132040, ClinGen allele CA382555593.

ClinVar aggregate classification (germline): Uncertain significance. Review status: criteria provided, multiple submitters, no conflicts (2 of 4 stars). 3 submissions from 3 submitters: Uncertain significance (2). 1 of the submissions does not count toward it. Last evaluated 2025-03-28.

Conditions:
Hereditary cancer-predisposing syndrome. Also called: Tumor predisposition; Neoplastic Syndromes, Hereditary; Hereditary Cancer Syndrome; Hereditary neoplastic syndrome. Identifiers: Orphanet 140162, MedGen C0027672, MeSH D009386, MONDO:0015356.
Ataxia-telangiectasia syndrome (AT). Also called: ATAXIA-TELANGIECTASIA, COMPLEMENTATION GROUP A; ATAXIA-TELANGIECTASIA, FRESNO VARIANT; Ataxia-telangiectasia; Ataxia-telangiectasia, complementation group D; AT, COMPLEMENTATION GROUP C; Ataxia-telangiectasia, complementation group E. Identifiers: Orphanet 100, MedGen C0004135, MONDO:0008840, OMIM 208900.

Allele frequency attached by ClinVar (database versions not stated): gnomAD exomes below 0.00001.

Submissions (3):

Ambry Genetics
Classification: Uncertain significance for Hereditary cancer-predisposing syndrome. Last evaluated: 2025-03-28. Review status: criteria provided, single submitter. Criteria: Ambry Variant Classification Scheme 2023. Collection method: clinical testing. Allele origin: germline.
Comment: The p.T2268A variant (also known as c.6802A>G), located in coding exon 45 of the ATM gene, results from an A to G substitution at nucleotide position 6802. The threonine at codon 2268 is replaced by alanine, an amino acid with similar properties. This amino acid position is highly conserved in available vertebrate species. In addition, the in silico prediction for this alteration is inconclusive. Based on the available evidence, the clinical significance of this variant remains unclear.

Labcorp Genetics (formerly Invitae), Labcorp
Classification: Uncertain significance for Ataxia-telangiectasia syndrome. Last evaluated: 2022-02-10. Review status: criteria provided, single submitter. Criteria: Invitae Variant Classification Sherloc (09022015). Collection method: clinical testing. Allele origin: germline.
Comment: ClinVar contains an entry for this variant (Variation ID: 844859). Advanced modeling of protein sequence and biophysical properties (such as structural, functional, and spatial information, amino acid conservation, physicochemical variation, residue mobility, and thermodynamic stability) performed at Invitae indicates that this missense variant is not expected to disrupt ATM protein function. In summary, the available evidence is currently insufficient to determine the role of this variant in disease. Therefore, it has been classified as a Variant of Uncertain Significance. This sequence change replaces threonine, which is neutral and polar, with alanine, which is neutral and non-polar, at codon 2268 of the ATM protein (p.Thr2268Ala). This variant is present in population databases (no rsID available, gnomAD 0.0009%). This variant has not been reported in the literature in individuals affected with ATM-related conditions.

Natera, Inc.
Classification: Uncertain significance for Ataxia-telangiectasia. Last evaluated: 2021-05-17. Review status: no assertion criteria provided. Collection method: clinical testing. Allele origin: germline. Not counted in ClinVar's aggregate classification.